The following is an entry in ClinVar:

ClinVar aggregate classification (germline): Uncertain significance (1 of 4 stars; one submission).

Conditions:
Primary ciliary dyskinesia. Also called: Ciliary dyskinesia. Identifiers: Orphanet 244, MedGen C0008780, MONDO:0016575, HP:0012265.

Submission:

Labcorp Genetics (formerly Invitae), Labcorp
Classification: Uncertain significance for Primary ciliary dyskinesia. Last evaluated: 2025-06-17. Review status: criteria provided, single submitter. Criteria: Invitae Variant Classification Sherloc (09022015). Collection method: clinical testing. Allele origin: germline.
Comment: This variant, c.3095_3106del, results in the deletion of 4 amino acid(s) of the RPGR (ORF15) protein (p.Gly1032_Glu1035del), but otherwise preserves the integrity of the reading frame. This variant is not present in population databases (gnomAD no frequency). This variant has not been reported in the literature in individuals affected with RPGR (ORF15)-related conditions. ClinVar contains an entry for this variant (Variation ID: 3016537). Experimental studies and prediction algorithms are not available or were not evaluated, and the functional significance of this variant is currently unknown. In summary, the available evidence is currently insufficient to determine the role of this variant in disease. Therefore, it has been classified as a Variant of Uncertain Significance.

NM_001034853.2(RPGR):c.3095_3106del (p.1030GE[1])

Gene: RPGR (retinitis pigmentosa GTPase regulator; minus strand). Cytogenetic location: Xp11.4.
Variant type: Deletion.
Coding change: c.3095_3106del on transcript NM_001034853.2 (MANE Select); coding-DNA positions 3095 to 3106, 12 bases deleted (GGGAAGGAGAGG).
Protein change: p.1030GE[1].
Molecular consequence: inframe deletion. On other transcripts: intron variant (8).
Genome position (GRCh38, 1-based): chrX:38,285,893-38,285,904, CCTCTCCTTCCC deleted on the plus strand (GGGAAGGAGAGG on the coding strand, the reverse complement: RPGR is on the minus strand); deleting any 12 consecutive bases within chrX:38,285,893-38,285,915 gives the same sequence; the c. name uses the placement nearest the transcript's 3' end. VCF-style (leftmost placement, unchanged base first): chrX-38285892-TCCTCTCCTTCCC-T. GRCh37 (hg19) VCF-style: chrX-38145145-TCCTCTCCTTCCC-T.
Other names: c.1569+5055_1569+5066del (NM_001367249.1, NM_001367250.1); c.1902+1190_1902+1201del (NM_001367245.1); c.1386+5055_1386+5066del (NM_001367251.1); c.1719+1190_1719+1201del (NM_001367246.1); c.1572+5055_1572+5066del (NM_001367247.1); c.1905+1190_1905+1201del (NM_000328.3); c.1602+5055_1602+5066del (NM_001367248.1).
Identifiers: ClinVar variation 3016537 (VCV003016537.3), dbSNP rs778085735, ClinGen allele CA10385200.